The following is an entry in ClinVar:

ClinVar aggregate classification (germline): Uncertain significance (1 of 4 stars; one submission).

Submission:

GeneDx
Classification: Uncertain significance. Last evaluated: 2022-10-28. Review status: criteria provided, single submitter. Criteria: GeneDx Variant Classification Process June 2021. Collection method: clinical testing. Allele origin: germline. Affected: yes.
Comment: Not observed at significant frequency in large population cohorts (gnomAD); In silico analysis supports that this missense variant does not alter protein structure/function; Has not been previously published as pathogenic or benign to our knowledge

NM_001291303.3(FAT4):c.8686G>A (p.Val2896Ile)

Gene: FAT4 (FAT atypical cadherin 4; plus strand). Cytogenetic location: 4q28.1.
Variant type: single nucleotide variant.
Coding change: c.8686G>A on transcript NM_001291303.3 (MANE Select); coding-DNA position 8686, G replaced by A.
Protein change: p.Val2896Ile; replaces valine 2896 with isoleucine.
Molecular consequence: missense variant.
Genome position (GRCh38, 1-based): chr4:125,449,696, G>A. VCF-style: chr4-125449696-G-A. GRCh37 (hg19) VCF-style: chr4-126370851-G-A.
Other names: c.8686G>A, p.Val2896Ile (NM_001291285.3); c.8680G>A, p.Val2894Ile (NM_024582.6); short protein forms V2894I, V2896I.
Identifiers: ClinVar variation 2500477 (VCV002500477.1), dbSNP rs1271163315, ClinGen allele CA358146982.